The following is an entry in ClinVar:

NM_006279.5(ST3GAL3):c.1014C>T (p.Thr338=)

Gene: ST3GAL3 (ST3 beta-galactoside alpha-2,3-sialyltransferase 3; plus strand). Cytogenetic location: 1p34.1.
Variant type: single nucleotide variant.
Coding change: c.1014C>T on transcript NM_006279.5 (MANE Select); coding-DNA position 1014, C replaced by T.
Protein change: p.Thr338=; no amino-acid change (threonine 338 retained).
Molecular consequence: synonymous variant. On other transcripts: non-coding transcript variant (6), intron variant (11).
Genome position (GRCh38, 1-based): chr1:43,920,904, C>T. VCF-style: chr1-43920904-C-T. GRCh37 (hg19) VCF-style: chr1-44386576-C-T.
Other names: c.1221C>T (NM_174963.3); c.924C>T, p.Thr308= (NM_001270459.2); c.921C>T, p.Thr307= (NM_001270460.2); c.1059C>T, p.Thr353= (NM_001350619.2, NM_174964.4); c.1014C>T, p.Thr338= (NM_001350620.2); c.735C>T, p.Thr245= (NM_001350621.2); c.1221C>T, p.Thr407= (NM_174963.5); c.1176C>T, p.Thr392= (NM_174968.5); and 13 more.
Identifiers: ClinVar variation 699562 (VCV000699562.17), dbSNP rs149000966, ClinGen allele CA814861.

ClinVar aggregate classification (germline): Likely benign. Review status: criteria provided, multiple submitters, no conflicts (2 of 4 stars). 3 submissions from 3 submitters: Likely benign (2). 1 of the submissions does not count toward it. Last evaluated 2026-01-01.

Conditions:
Early-infantile DEE. Also called: Ohtahara syndrome; Early infantile epileptic encephalopathy with suppression bursts; Early infantile epileptic encephalopathy. Identifiers: Orphanet 1934, MedGen C0393706, MONDO:0800491.
ST3GAL3-related disorder. Also called: ST3GAL3-related condition; ST3GAL3-Related Disorders.

Allele frequency attached by ClinVar (database versions not stated): TOPMed 0.00002.
gnomAD v4.1: 4 of 1,613,696 alleles (0.00025%); highest among the groups gnomAD compares: Non-Finnish European, 0.00025%; no homozygotes.

Submissions (3):

CeGaT Center for Human Genetics Tuebingen
Classification: Likely benign. Last evaluated: 2026-01-01. Review status: criteria provided, single submitter. Criteria: CeGaT Center For Human Genetics Tuebingen Variant Classification Criteria Version 2. Collection method: clinical testing. Allele origin: germline. Affected: yes. Observed: 1 variant allele.
Comment: ST3GAL3: BP4, BP7

Labcorp Genetics (formerly Invitae), Labcorp
Classification: Likely benign for Early-infantile DEE. Last evaluated: 2018-10-18. Review status: criteria provided, single submitter. Criteria: Invitae Variant Classification Sherloc (09022015). Collection method: clinical testing. Allele origin: germline.

PreventionGenetics, part of Exact Sciences
Classification: Likely benign for ST3GAL3-related condition. Last evaluated: 2019-03-06. Review status: no assertion criteria provided. Collection method: clinical testing. Allele origin: germline. Not counted in ClinVar's aggregate classification.
Comment: This variant is classified as likely benign based on ACMG/AMP sequence variant interpretation guidelines (Richards et al. 2015 PMID: 25741868, with internal and published modifications).